The following is an entry in ClinVar:

NM_001372.4(DNAH9):c.11511G>T (p.Lys3837Asn)

Gene: DNAH9 (dynein axonemal heavy chain 9; plus strand). Cytogenetic location: 17p12.
Variant type: single nucleotide variant.
Coding change: c.11511G>T on transcript NM_001372.4 (MANE Select); coding-DNA position 11511, G replaced by T.
Protein change: p.Lys3837Asn; replaces lysine 3837 with asparagine.
Molecular consequence: missense variant.
Genome position (GRCh38, 1-based): chr17:11,902,823, G>T. VCF-style: chr17-11902823-G-T. GRCh37 (hg19) VCF-style: chr17-11806140-G-T.
Other names: c.447G>T, p.Lys149Asn (NM_004662.2); short protein forms K149N, K3837N.
Identifiers: ClinVar variation 2630003 (VCV002630003.1), dbSNP rs2544848679, ClinGen allele CA398202637.

ClinVar aggregate classification (germline): Uncertain significance (1 of 4 stars; one submission).

Conditions:
DNAH9-related disorder. Also called: DNAH9-related condition.

Submission:

PreventionGenetics, part of Exact Sciences
Classification: Uncertain significance for DNAH9-related condition. Last evaluated: 2023-01-04. Review status: criteria provided, single submitter. Criteria: ACMG Guidelines, 2015. Collection method: clinical testing. Allele origin: germline.
Comment: The DNAH9 c.11511G>T variant is predicted to result in the amino acid substitution p.Lys3837Asn. To our knowledge, this variant has not been reported in the literature or in a large population database, indicating this variant is rare. At this time, the clinical significance of this variant is uncertain due to the absence of conclusive functional and genetic evidence.